The following is an entry in ClinVar:

NM_194248.3(OTOF):c.3239G>C (p.Arg1080Pro)

Gene: OTOF (otoferlin; minus strand). Cytogenetic location: 2p23.3.
Variant type: single nucleotide variant.
Coding change: c.3239G>C on transcript NM_194248.3 (MANE Select); coding-DNA position 3239, G replaced by C.
Protein change: p.Arg1080Pro; replaces arginine 1080 with proline.
Molecular consequence: missense variant.
Genome position (GRCh38, 1-based): chr2:26,474,562, C>G on the plus strand (G>C on the coding strand, the complement: OTOF is on the minus strand). VCF-style: chr2-26474562-C-G. GRCh37 (hg19) VCF-style: chr2-26697430-C-G.
Other names: c.3239G>C, p.Arg1080Pro (NM_001287489.2); c.998G>C, p.Arg333Pro (NM_004802.4, NM_194323.3); c.1169G>C, p.Arg390Pro (NM_194322.3); short protein forms R1080P, R390P, R333P.
Identifiers: ClinVar variation 65796 (VCV000065796.5), dbSNP rs397515598, ClinGen allele CA345113.

ClinVar aggregate classification (germline): Likely pathogenic. Review status: criteria provided, single submitter (1 of 4 stars). 2 submissions from 2 submitters: Likely pathogenic (1). 1 of the submissions does not count toward it.

Conditions:
Autosomal recessive nonsyndromic hearing loss 9. Also called: AUDITORY NEUROPATHY, AUTOSOMAL RECESSIVE, 1, TEMPERATURE-SENSITIVE; Deafness, autosomal recessive 9; NEUROSENSORY NONSYNDROMIC RECESSIVE DEAFNESS 9; OTOF-Related Hearing Loss. Identifiers: Orphanet 90636, MedGen C1832828, MONDO:0010986, OMIM 601071.
Bilateral sensorineural hearing impairment. Also called: Bilateral sensorineural hearing loss. Identifiers: MedGen C0452138, HP:0008619.

Submissions (2):

Laboratory of Human Genetics, Institute of Biosciences - University of Sao Paulo
Classification: Likely pathogenic for Bilateral sensorineural hearing impairment. Review status: criteria provided, single submitter. Criteria: ClinGen HL ACMG Specifications v1. Collection method: research. Allele origin: germline. Affected: yes. Observed: 1 compound heterozygote. Segregation with disease observed.

GeneReviews
No classification provided. Condition: Autosomal recessive nonsyndromic hearing loss 9. Review status: no classification provided. Collection method: literature only. Allele origin: unknown. Not counted in ClinVar's aggregate classification.

Literature cited by the submitters: PubMed 34652575 (cited by Laboratory of Human Genetics, Institute of Biosciences - University of Sao Paulo); PubMed 19461658 (cited by Laboratory of Human Genetics, Institute of Biosciences - University of Sao Paulo and GeneReviews); PubMed 20301429 (cited by GeneReviews); NCBI Bookshelf NBK1251 (cited by GeneReviews).